The following is an entry in ClinVar:

ClinVar aggregate classification (germline): Uncertain significance (1 of 4 stars; one submission).

Conditions:
Inborn genetic diseases. Identifiers: MedGen C0950123, MeSH D030342.

Submission:

Ambry Genetics
Classification: Uncertain significance for Inborn genetic diseases. Last evaluated: 2025-05-02. Review status: criteria provided, single submitter. Criteria: Ambry Variant Classification Scheme 2023. Collection method: clinical testing. Allele origin: germline.
Comment: The p.L1204M variant (also known as c.3610C>A), located in coding exon 21 of the RECQL4 gene, results from a C to A substitution at nucleotide position 3610. The leucine at codon 1204 is replaced by methionine, an amino acid with highly similar properties. This amino acid position is conserved. Based on the available evidence, the clinical significance of this variant remains unclear.

NM_004260.4(RECQL4):c.3610C>A (p.Leu1204Met)

Gene: RECQL4 (RecQ like helicase 4; minus strand). Cytogenetic location: 8q24.3.
Variant type: single nucleotide variant.
Coding change: c.3610C>A on transcript NM_004260.4 (MANE Select); coding-DNA position 3610, C replaced by A.
Protein change: p.Leu1204Met; replaces leucine 1204 with methionine.
Molecular consequence: missense variant. On other transcripts: non-coding transcript variant (3).
Genome position (GRCh38, 1-based): chr8:144,511,448, G>T on the plus strand (C>A on the coding strand, the complement: RECQL4 is on the minus strand). VCF-style: chr8-144511448-G-T. GRCh37 (hg19) VCF-style: chr8-145736831-G-T.
Other names: c.3316C>A, p.Leu1106Met (NM_001413017.1); c.3412C>A, p.Leu1138Met (NM_001413018.1); c.3685C>A, p.Leu1229Met (NM_001413019.1); c.3514C>A, p.Leu1172Met (NM_001413020.1); c.2539C>A, p.Leu847Met (NM_001413021.1, NM_001413022.1, NM_001413024.1 and 4 more transcripts); c.2614C>A, p.Leu872Met (NM_001413023.1); c.3481C>A, p.Leu1161Met (NM_001413025.1); c.2473C>A, p.Leu825Met (NM_001413027.1, NM_001413030.1, NM_001413032.1); and 9 more; short protein forms L1106M, L1229M, L803M, L825M, L1161M, L715M, L781M, L837M.
Identifiers: ClinVar variation 3944300 (VCV003944300.1).
Genomic context (GRCh38, chr8:144,511,448, plus strand): 5'-CTGACAACCCCAGCTCTACCCGACATCCCCCAATGCAGTGCAGTCAGCGGGCCACCTGCA[G>T]GAGCTCTTCCGTGGCCAGGCCCACCAGGGCATGGAAGCTCAGGTGCAGGTATTTTCTCCA-3'
Protein context (NP_004251.4, residues 1194-1208): ALVGLATEEL[Leu1204Met]QVAR